The following is an entry in ClinVar:

ClinVar aggregate classification (germline): Likely benign (1 of 4 stars; one submission).

gnomAD v4.1: 245 of 1,613,844 alleles (0.015%); highest among the groups gnomAD compares: Non-Finnish European, 0.019%; no homozygotes.

Submission:

CeGaT Center for Human Genetics Tuebingen
Classification: Likely benign. Last evaluated: 2026-09-01. Review status: criteria provided, single submitter. Criteria: CeGaT Center For Human Genetics Tuebingen Variant Classification Criteria Version 2. Collection method: clinical testing. Allele origin: germline. Affected: yes. Observed: 2 variant alleles.
Comment: ZFHX3: BP4, BS2

NM_006885.4(ZFHX3):c.5641G>A (p.Val1881Ile)

Genes: ZFHX3 (zinc finger homeobox 3; minus strand), ZFHX3-AS1 (ZFHX3 antisense RNA 1; plus strand). Cytogenetic location: 16q22.2.
Variant type: single nucleotide variant.
Coding change: c.5641G>A on transcript NM_006885.4 (MANE Select); coding-DNA position 5641, G replaced by A.
Protein change: p.Val1881Ile; replaces valine 1881 with isoleucine.
Molecular consequence: missense variant.
Genome position (GRCh38, 1-based): chr16:72,797,041, C>T on the plus strand (G>A on the coding strand, the complement: ZFHX3 is on the minus strand). VCF-style: chr16-72797041-C-T. GRCh37 (hg19) VCF-style: chr16-72830940-C-T.
Other names: c.2899G>A, p.Val967Ile (NM_001164766.2); c.5641G>A, p.Val1881Ile (NM_001386735.1); short protein forms V1881I, V967I.
Identifiers: ClinVar variation 4533945 (VCV004533945.6).